The following is an entry in ClinVar:

ClinVar aggregate classification (germline): Likely pathogenic (1 of 4 stars; one submission).

Conditions:
Neurodevelopmental disorder with dysmorphic facies and distal limb anomalies. Identifiers: Orphanet 686482, MedGen C4540327, MONDO:0060596, OMIM 617755.

Submission:

Clinical Genomics Laboratory, Washington University in St. Louis
Classification: Likely pathogenic for Neurodevelopmental disorder with dysmorphic facies and distal limb anomalies. Last evaluated: 2023-08-19. Review status: criteria provided, single submitter. Criteria: ACMG Guidelines, 2015. Collection method: clinical testing. Allele origin: germline. Affected: yes.
Comment: The BPTF c.4492C>T (p.Arg1498Ter) variant, to our knowledge, has not been reported in the medical literature and is absent from the general population (gnomAD v.2.1.1), indicating it is not a common variant. This variant causes a premature termination codon, which is predicted to lead to nonsense mediated decay. Additionally, other variants that introduce premature termination codons in this region have been described in affected individuals and are considered pathogenic (Glinton KE et al., PMID: 33522091; Stankiewicz P et al., PMID: 28942966). Based on available information and the ACMG/AMP guidelines for variant interpretation (Richards S et al., PMID: 25741868), this variant is classified as likely pathogenic.

NM_182641.4(BPTF):c.4492C>T (p.Arg1498Ter)

Gene: BPTF (bromodomain PHD finger transcription factor; plus strand). Cytogenetic location: 17q24.2.
Variant type: single nucleotide variant.
Coding change: c.4492C>T on transcript NM_182641.4 (MANE Select); coding-DNA position 4492, C replaced by T.
Protein change: p.Arg1498Ter; replaces arginine 1498 with a stop codon.
Molecular consequence: nonsense.
Genome position (GRCh38, 1-based): chr17:67,912,376, C>T. VCF-style: chr17-67912376-C-T. GRCh37 (hg19) VCF-style: chr17-65908492-C-T.
Other names: c.4870C>T, p.Arg1624Ter (NM_004459.7); short protein forms R1498*, R1624*.
Identifiers: ClinVar variation 3602573 (VCV003602573.1).